The following is an entry in ClinVar:

ClinVar aggregate classification (germline): Uncertain significance (1 of 4 stars; one submission).

Conditions:
DYRK1A-related intellectual disability syndrome (MRD7). Also called: DYRK1A Syndrome; Intellectual developmental disorder, autosomal dominant 7. Identifiers: Orphanet 464306, MedGen C5568143, MONDO:0013578, OMIM 614104.

Submission:

Labcorp Genetics (formerly Invitae), Labcorp
Classification: Uncertain significance for DYRK1A-related intellectual disability syndrome. Last evaluated: 2024-12-10. Review status: criteria provided, single submitter. Criteria: Invitae Variant Classification Sherloc (09022015). Collection method: clinical testing. Allele origin: germline.
Comment: This sequence change replaces threonine, which is neutral and polar, with isoleucine, which is neutral and non-polar, at codon 543 of the DYRK1A protein (p.Thr543Ile). This variant is not present in population databases (gnomAD no frequency). This variant has not been reported in the literature in individuals affected with DYRK1A-related conditions. ClinVar contains an entry for this variant (Variation ID: 2873648). Invitae Evidence Modeling of protein sequence and biophysical properties (such as structural, functional, and spatial information, amino acid conservation, physicochemical variation, residue mobility, and thermodynamic stability) indicates that this missense variant is not expected to disrupt DYRK1A protein function with a negative predictive value of 95%. In summary, the available evidence is currently insufficient to determine the role of this variant in disease. Therefore, it has been classified as a Variant of Uncertain Significance.

NM_001347721.2(DYRK1A):c.1601C>T (p.Thr534Ile)

Gene: DYRK1A (dual specificity tyrosine phosphorylation regulated kinase 1A; plus strand). Cytogenetic location: 21q22.13.
Variant type: single nucleotide variant.
Coding change: c.1601C>T on transcript NM_001347721.2 (MANE Select); coding-DNA position 1601, C replaced by T.
Protein change: p.Thr534Ile; replaces threonine 534 with isoleucine.
Molecular consequence: missense variant. On other transcripts: intron variant (1).
Genome position (GRCh38, 1-based): chr21:37,506,180, C>T. VCF-style: chr21-37506180-C-T. GRCh37 (hg19) VCF-style: chr21-38878483-C-T.
Other names: c.1628C>T, p.Thr543Ile (NM_101395.2, NM_001396.5); c.1601C>T, p.Thr534Ile (NM_130436.2, NM_001347722.2); c.1546+591C>T (NM_130438.2); c.1514C>T, p.Thr505Ile (NM_001347723.2); short protein forms T505I, T534I, T543I.
Identifiers: ClinVar variation 2873648 (VCV002873648.3), dbSNP rs2518077428, ClinGen allele CA409938958.